The following is an entry in ClinVar:

NM_001384474.1(LOXHD1):c.1658C>A (p.Ala553Asp)

Gene: LOXHD1 (lipoxygenase homology PLAT domains 1; minus strand). Cytogenetic location: 18q21.1.
Variant type: single nucleotide variant.
Coding change: c.1658C>A on transcript NM_001384474.1 (MANE Select); coding-DNA position 1658, C replaced by A.
Protein change: p.Ala553Asp; replaces alanine 553 with aspartic acid.
Molecular consequence: missense variant.
Genome position (GRCh38, 1-based): chr18:46,579,781, G>T on the plus strand (C>A on the coding strand, the complement: LOXHD1 is on the minus strand). VCF-style: chr18-46579781-G-T. GRCh37 (hg19) VCF-style: chr18-44159744-G-T.
Other names: c.1658C>A, p.Ala553Asp (NM_144612.7); short protein forms A553D.
Identifiers: ClinVar variation 4990452 (VCV004990452.1).

ClinVar aggregate classification (germline): Uncertain significance (1 of 4 stars; one submission).

Conditions:
LOXHD1-related disorder. Also called: LOXHD1-related condition.

gnomAD v4.1: 1 of 1,551,204 alleles (0.000064%); highest among the groups gnomAD compares: Non-Finnish European, 0.000087%; no homozygotes.

Submission:

PreventionGenetics, part of Exact Sciences
Classification: Uncertain significance for LOXHD1-related condition. Last evaluated: 2026-01-03. Review status: criteria provided, single submitter. Criteria: ACMG Guidelines, 2015. Collection method: clinical testing. Allele origin: germline.
Comment: The LOXHD1 c.1658C>A variant is predicted to result in the amino acid substitution p.Ala553Asp. To our knowledge, this variant has not been reported in the literature or in a large population database (gnomAD), indicating this variant is rare. At this time, the clinical significance of this variant is uncertain due to the absence of conclusive functional and genetic evidence.